The following is an entry in ClinVar:

ClinVar aggregate classification (germline): Likely pathogenic (1 of 4 stars; one submission).

Submission:

Labcorp Genetics (formerly Invitae), Labcorp
Classification: Likely pathogenic. Last evaluated: 2021-01-14. Review status: criteria provided, single submitter. Criteria: Invitae Variant Classification Sherloc (09022015). Collection method: clinical testing. Allele origin: germline.
Comment: In summary, the currently available evidence indicates that the variant is pathogenic, but additional data are needed to prove that conclusively. Therefore, this variant has been classified as Likely Pathogenic. This variant disrupts the p.Trp807 amino acid residue in PDE6B. Other variant(s) that disrupt this residue have been determined to be pathogenic (PMID: 18854872). This suggests that this residue is clinically significant, and that variants that disrupt this residue are likely to be disease-causing. This variant has been observed in individual(s) with clinical features of retinitis pigmentosa (Invitae). This variant is a sub-genic deletion of the genomic region encompassing exons 20-21 of the PDE6B gene. While this deletion is not anticipated to result in nonsense mediated decay, it is expected to create a truncated protein product.

Literature cited by the submitters: PubMed 18854872.

NC_000004.12:g.(?_666531)_(668006_?)del

Gene: PDE6B (phosphodiesterase 6B; plus strand). Cytogenetic location: 4p16.3.
Variant type: Deletion.
Identifiers: ClinVar variation 831286 (VCV000831286.3).